The following is an entry in ClinVar:

ClinVar aggregate classification (germline): Likely benign (0 of 4 stars; one submission).

Conditions:
HRG-related disorder. Also called: HRG-related condition.

Allele frequency attached by ClinVar (database versions not stated): ExAC 0.00026; 1000 Genomes Project 0.00080; ESP Exome Variant Server 0.00100; 1000 Genomes Project 30x 0.00109.
gnomAD v4.1: 244 of 1,613,528 alleles (0.015%); highest among the groups gnomAD compares: African/African-American, 0.28%; no homozygotes.

Submission:

PreventionGenetics, part of Exact Sciences
Classification: Likely benign for HRG-related condition. Last evaluated: 2020-09-01. Review status: no assertion criteria provided. Collection method: clinical testing. Allele origin: germline.
Comment: This variant is classified as likely benign based on ACMG/AMP sequence variant interpretation guidelines (Richards et al. 2015 PMID: 25741868, with internal and published modifications).

NM_000412.5(HRG):c.863A>T (p.His288Leu)

Gene: HRG (histidine rich glycoprotein; plus strand). Cytogenetic location: 3q27.3.
Variant type: single nucleotide variant.
Coding change: c.863A>T on transcript NM_000412.5 (MANE Select); coding-DNA position 863, A replaced by T.
Protein change: p.His288Leu; replaces histidine 288 with leucine.
Molecular consequence: missense variant.
Genome position (GRCh38, 1-based): chr3:186,677,168, A>T. VCF-style: chr3-186677168-A-T. GRCh37 (hg19) VCF-style: chr3-186394957-A-T.
Other names: short protein forms H288L.
Identifiers: ClinVar variation 3054255 (VCV003054255.2), dbSNP rs146771057, ClinGen allele CA2745823.
Genomic context (GRCh38, chr3:186,677,168, plus strand): 5'-ATGAGCGTTCTTCTACCACCAAGCCTCCATTCAAGCCCCATGGATCTAGAGATCATCATC[A>T]TCCCCACAAGCCACACGAACATGGACCCCCACCTCCTCCAGATGAAAGAGATCACTCACA-3'
Protein context (NP_000403.1, residues 278-298): FKPHGSRDHH[His288Leu]PHKPHEHGPP